The following is an entry in ClinVar:

NM_006796.3(AFG3L2):c.1319-7C>T

Gene: AFG3L2 (AFG3 like matrix AAA peptidase subunit 2; minus strand). Cytogenetic location: 18p11.21.
Variant type: single nucleotide variant.
Coding change: c.1319-7C>T on transcript NM_006796.3 (MANE Select); 7 bases into the intron before coding-DNA position 1319, C replaced by T.
Molecular consequence: intron variant.
Genome position (GRCh38, 1-based): chr18:12,351,420, G>A on the plus strand (C>T on the coding strand, the complement: AFG3L2 is on the minus strand). VCF-style: chr18-12351420-G-A. GRCh37 (hg19) VCF-style: chr18-12351419-G-A.
Other names: p.?.
Identifiers: ClinVar variation 444428 (VCV000444428.62), dbSNP rs182327153, ClinGen allele CA8896522.

ClinVar aggregate classification (germline): Benign/Likely benign. Review status: criteria provided, multiple submitters, no conflicts (2 of 4 stars). 7 submissions from 7 submitters: Benign (5); Likely benign (2). Last evaluated 2025-07-01.

Conditions:
Spinocerebellar ataxia type 28 (SCA28). Also called: Spinocerebellar Ataxia Type 28 (SCA28). Identifiers: Orphanet 101109, MedGen C1853249, MONDO:0012450, OMIM 610246.

Allele frequency attached by ClinVar (database versions not stated): TOPMed 0.00016; 1000 Genomes Project 30x 0.00094; gnomAD 0.00102 and 0.00103; ExAC 0.00114; 1000 Genomes Project 0.00120; gnomAD exomes 0.00127.
gnomAD v4.1: 1,110 of 1,613,170 alleles (0.069%); highest among the groups gnomAD compares: South Asian, 0.13%; 4 homozygotes.

Submissions (7):

CeGaT Center for Human Genetics Tuebingen
Classification: Likely benign. Last evaluated: 2025-07-01. Review status: criteria provided, single submitter. Criteria: CeGaT Center For Human Genetics Tuebingen Variant Classification Criteria Version 2. Collection method: clinical testing. Allele origin: germline. Affected: yes. Observed: 5 variant alleles.
Comment: AFG3L2: BP4, BS2

Labcorp Genetics (formerly Invitae), Labcorp
Classification: Benign. Last evaluated: 2025-03-17. Review status: criteria provided, single submitter. Criteria: Invitae Variant Classification Sherloc (09022015). Collection method: clinical testing. Allele origin: germline.

Blueprint Genetics
Classification: Likely benign. Last evaluated: 2024-11-11. Review status: criteria provided, single submitter. Criteria: ACMG Guidelines, 2015. Collection method: clinical testing. Allele origin: germline.

Athena Diagnostics
Classification: Benign. Last evaluated: 2024-07-30. Review status: criteria provided, single submitter. Criteria: Athena Diagnostics Criteria. Collection method: clinical testing. Allele origin: unknown.

Mayo Clinic Laboratories, Mayo Clinic
Classification: Benign. Last evaluated: 2024-05-06. Review status: criteria provided, single submitter. Criteria: ACMG Guidelines, 2015. Collection method: clinical testing. Allele origin: germline. Observed: 3 variant alleles.
Comment: BA1, BP4, BP7

GeneDx
Classification: Benign. Last evaluated: 2019-04-02. Review status: criteria provided, single submitter. Criteria: GeneDx Variant Classification Process June 2021. Collection method: clinical testing. Allele origin: germline. Affected: yes.

Illumina Laboratory Services, Illumina
Classification: Benign for Spinocerebellar ataxia type 28. Last evaluated: 2018-01-12. Review status: criteria provided, single submitter. Criteria: ICSL Variant Classification Criteria 13 December 2019. Collection method: clinical testing. Allele origin: germline.
Comment: This variant was observed in the ICSL laboratory as part of a predisposition screen in an ostensibly healthy population. It had not been previously curated by ICSL or reported in the Human Gene Mutation Database (HGMD: prior to June 1st, 2018), and was therefore a candidate for classification through an automated scoring system. Utilizing variant allele frequency, disease prevalence and penetrance estimates, and inheritance mode, an automated score was calculated to assess if this variant is too frequent to cause the disease. Based on the score and internal cut-off values, a variant classified as benign is not then subjected to further curation. The score for this variant resulted in a classification of benign for this disease.